The following is an entry in ClinVar:

NM_001083962.2(TCF4):c.1719C>A (p.Asn573Lys)

Gene: TCF4 (transcription factor 4; minus strand). Cytogenetic location: 18q21.2.
Variant type: single nucleotide variant.
Coding change: c.1719C>A on transcript NM_001083962.2 (MANE Select); coding-DNA position 1719, C replaced by A.
Protein change: p.Asn573Lys; replaces asparagine 573 with lysine.
Molecular consequence: missense variant.
Genome position (GRCh38, 1-based): chr18:55,229,007, G>T on the plus strand (C>A on the coding strand, the complement: TCF4 is on the minus strand). VCF-style: chr18-55229007-G-T. GRCh37 (hg19) VCF-style: chr18-52896238-G-T.
Other names: c.2025C>A, p.Asn675Lys (NM_001243226.3); c.1647C>A, p.Asn549Lys (NM_001243227.2, NM_001348217.1, NM_001348218.2 and 1 more transcripts); c.1737C>A, p.Asn579Lys (NM_001243228.2); c.1698C>A, p.Asn566Lys (NM_001243230.2); c.1581C>A, p.Asn527Lys (NM_001243231.2); c.1506C>A, p.Asn502Lys (NM_001243232.1); c.1317C>A, p.Asn439Lys (NM_001243233.2, NM_001348212.2); c.1239C>A, p.Asn413Lys (NM_001243234.2, NM_001348216.2); and 14 more; short protein forms N357K, N408K, N409K, N413K, N439K, N443K, N498K, N502K.
Identifiers: ClinVar variation 3339246 (VCV003339246.1).
Genomic context (GRCh38, chr18:55,229,007, plus strand): 5'-GCGGCCGAGCTCTTTGAAAGCCTCGTTGATGTCACGGACCCGCAGACGCTCTCGGGCATT[G>T]TTGGCCATCCTCCGCTCCTTCTCACGCTCTGCCTTCTGCTCTGGTGTCAGGTCCTCATCG-3'
Protein context (NP_001077431.1, residues 563-583): AEREKERRMA[Asn573Lys]NARERLRVRD

ClinVar aggregate classification (germline): Uncertain significance (1 of 4 stars; one submission).

Submission:

Women's Health and Genetics/Laboratory Corporation of America, LabCorp
Classification: Uncertain significance. Last evaluated: 2024-07-30. Review status: criteria provided, single submitter. Criteria: LabCorp Variant Classification Summary - May 2015. Collection method: clinical testing. Allele origin: germline.
Comment: Variant summary: TCF4 c.1719C>A (p.Asn573Lys) results in a non-conservative amino acid change located in the Myc-type, basic helix-loop-helix (bHLH) domain (IPR011598) of the encoded protein sequence. Five of five in-silico tools predict a damaging effect of the variant on protein function. The variant was absent in 251426 control chromosomes. The available data on variant occurrences in the general population are insufficient to allow any conclusion about variant significance. To our knowledge, no occurrence of c.1719C>A in individuals affected with Pitt-Hopkins Syndrome and no experimental evidence demonstrating its impact on protein function have been reported. No submitters have cited clinical-significance assessments for this variant to ClinVar. Based on the evidence outlined above, the variant was classified as uncertain significance.